The following is an entry in ClinVar:

ClinVar aggregate classification (germline): Uncertain significance. Review status: criteria provided, multiple submitters, no conflicts (2 of 4 stars). 2 submissions from 2 submitters: Uncertain significance (2). Last evaluated 2025-10-13.

Conditions:
Hereditary cancer-predisposing syndrome. Also called: Tumor predisposition; Hereditary neoplastic syndrome; Hereditary Cancer Syndrome; Neoplastic Syndromes, Hereditary. Identifiers: Orphanet 140162, MedGen C0027672, MeSH D009386, MONDO:0015356.
Gastrointestinal stromal tumor. Also called: Gastrointestinal stroma tumor; Gastrointestinal stromal tumor, somatic. Identifiers: Orphanet 44890, MedGen C0238198, MeSH D046152, MONDO:0011719, OMIM 606764, HP:0100723.

Allele frequency attached by ClinVar (database versions not stated): gnomAD 0.00001; TOPMed 0.00001; gnomAD exomes 0.00002.
gnomAD v4.1: 26 of 1,613,946 alleles (0.0016%); highest among the groups gnomAD compares: Non-Finnish European, 0.0022%; no homozygotes.

Submissions (2):

Labcorp Genetics (formerly Invitae), Labcorp
Classification: Uncertain significance for Gastrointestinal stromal tumor. Last evaluated: 2025-10-13. Review status: criteria provided, single submitter. Criteria: Invitae Variant Classification Sherloc (09022015). Collection method: clinical testing. Allele origin: germline.
Comment: This sequence change replaces glutamic acid, which is acidic and polar, with lysine, which is basic and polar, at codon 446 of the PDGFRA protein (p.Glu446Lys). This variant is not present in population databases (gnomAD no frequency). This variant has not been reported in the literature in individuals affected with PDGFRA-related conditions. ClinVar contains an entry for this variant (Variation ID: 528598). Invitae Evidence Modeling of protein sequence and biophysical properties (such as structural, functional, and spatial information, amino acid conservation, physicochemical variation, residue mobility, and thermodynamic stability) indicates that this missense variant is not expected to disrupt PDGFRA protein function with a negative predictive value of 80%. In summary, the available evidence is currently insufficient to determine the role of this variant in disease. Therefore, it has been classified as a Variant of Uncertain Significance.

Ambry Genetics
Classification: Uncertain significance for Hereditary cancer-predisposing syndrome. Last evaluated: 2025-08-02. Review status: criteria provided, single submitter. Criteria: Ambry Variant Classification Scheme 2023. Collection method: clinical testing. Allele origin: germline.
Comment: The p.E446K variant (also known as c.1336G>A), located in coding exon 8 of the PDGFRA gene, results from a G to A substitution at nucleotide position 1336. The glutamic acid at codon 446 is replaced by lysine, an amino acid with similar properties. This amino acid position is conserved. In addition, the in silico prediction for this alteration is inconclusive. Since supporting evidence is limited at this time, the clinical significance of this alteration remains unclear.

NM_006206.6(PDGFRA):c.1336G>A (p.Glu446Lys)

Gene: PDGFRA (platelet derived growth factor receptor alpha; plus strand). Cytogenetic location: 4q12.
Variant type: single nucleotide variant.
Coding change: c.1336G>A on transcript NM_006206.6 (MANE Select); coding-DNA position 1336, G replaced by A.
Protein change: p.Glu446Lys; replaces glutamic acid 446 with lysine.
Molecular consequence: missense variant.
Genome position (GRCh38, 1-based): chr4:54,272,492, G>A. VCF-style: chr4-54272492-G-A. GRCh37 (hg19) VCF-style: chr4-55138659-G-A.
Other names: c.1336G>A, p.Glu446Lys (NM_001347827.2, NM_001347829.2); c.1411G>A, p.Glu471Lys (NM_001347828.2); c.1375G>A, p.Glu459Lys (NM_001347830.2); short protein forms E446K, E471K, E459K.
Identifiers: ClinVar variation 528598 (VCV000528598.11), dbSNP rs1441980002, ClinGen allele CA356892329.